The following is an entry in ClinVar:

NM_052947.4(ALPK2):c.2179G>A (p.Gly727Ser)

Gene: ALPK2 (alpha kinase 2; minus strand). Cytogenetic location: 18q21.31.
Variant type: single nucleotide variant.
Coding change: c.2179G>A on transcript NM_052947.4 (MANE Select); coding-DNA position 2179, G replaced by A.
Protein change: p.Gly727Ser; replaces glycine 727 with serine.
Molecular consequence: missense variant.
Genome position (GRCh38, 1-based): chr18:58,538,008, C>T on the plus strand (G>A on the coding strand, the complement: ALPK2 is on the minus strand). VCF-style: chr18-58538008-C-T. GRCh37 (hg19) VCF-style: chr18-56205240-C-T.
Other names: short protein forms G727S.
Identifiers: ClinVar variation 3228619 (VCV003228619.1), dbSNP rs2518878021, ClinGen allele CA402571335.
Genomic context (GRCh38, chr18:58,538,008, plus strand): 5'-TGGCTTCTGAGATGCTCTGCTCATATTTTAGGTCTTCCCTGAAATTGTCAGGTATGTTGC[C>T]ATCTCTGTCTTGTTTTTCTTCATGCTGTGGACCACAGGTACAGGGTTTGACCTCCGAGTG-3'
Protein context (NP_443179.3, residues 717-737): PQHEEKQDRD[Gly727Ser]NIPDNFREDL

ClinVar aggregate classification (germline): Uncertain significance (1 of 4 stars; one submission).

Submission:

Ambry Genetics
Classification: Uncertain significance. Last evaluated: 2023-09-24. Review status: criteria provided, single submitter. Criteria: Ambry Variant Classification Scheme 2023. Collection method: clinical testing. Allele origin: germline.
Comment: The p.G727S variant (also known as c.2179G>A), located in coding exon 4 of the ALPK2 gene, results from a G to A substitution at nucleotide position 2179. The glycine at codon 727 is replaced by serine, an amino acid with similar properties. This amino acid position is conserved. In addition, this alteration is predicted to be tolerated by in silico analysis. Since supporting evidence is limited at this time, the clinical significance of this alteration remains unclear.